The following is an entry in ClinVar:

ClinVar aggregate classification (germline): Pathogenic (1 of 4 stars; one submission).

Conditions:
Intellectual disability, autosomal dominant 14 (CSS2). Also called: COFFIN-SIRIS SYNDROME 2. Identifiers: Orphanet 1465, MedGen C3553247, MONDO:0013819, OMIM 614607.

Submission:

HudsonAlpha Institute for Biotechnology
Classification: Pathogenic for Intellectual disability, autosomal dominant 14. Last evaluated: 2018-09-14. Review status: criteria provided, single submitter. Criteria: ACMG Guidelines, 2015. Collection method: research. Allele origin: de novo. Affected: yes. Observed: 1 variant allele. Study: CSER-SouthSeq.
Comment: ACMG codes: PVS1, PM2, PM6

NM_006015.6(ARID1A):c.750_771dup (p.Ser258fs)

Genes: ARID1A (AT-rich interaction domain 1A; plus strand), LOC129929837 (ATAC-STARR-seq lymphoblastoid silent region 489; plus strand). Cytogenetic location: 1p36.11.
Variant type: Duplication.
Coding change: c.750_771dup on transcript NM_006015.6 (MANE Select); coding-DNA positions 750 to 771, 22 bases duplicated (GCCGCCTCCCTCCTCCAGCGCC).
Protein change: p.Ser258fs; shifts the reading frame from serine 258.
Molecular consequence: frameshift variant.
Genome position (GRCh38, 1-based): chr1:26,697,153-26,697,174, GCCGCCTCCCTCCTCCAGCGCC duplicated. VCF-style (leftmost placement, unchanged base first): chr1-26697152-A-AGCCGCCTCCCTCCTCCAGCGCC. GRCh37 (hg19) VCF-style: chr1-27023643-A-AGCCGCCTCCCTCCTCCAGCGCC.
Other names: c.750_771dup, p.Ser258fs (NM_139135.4); short protein forms S258fs.
Identifiers: ClinVar variation 623658 (VCV000623658.2), dbSNP rs1557570794, ClinGen allele CA913189300.